The following is an entry in ClinVar:

ClinVar aggregate classification (germline): Pathogenic (1 of 4 stars; one submission).

Conditions:
Familial thoracic aortic aneurysm and aortic dissection (TAAD). Also called: Thoracic aortic aneurysms and dissections. Identifiers: Orphanet 91387, MedGen C4707243, MONDO:0019625.
Marfan syndrome (MFS). Also called: MARFAN SYNDROME, TYPE I; Marfan syndrome type 1; Marfan's syndrome; Marfan syndrome, classic; FBN1-Related Marfan Syndrome. Identifiers: Orphanet 284963, Orphanet 558, MedGen C0024796, MONDO:0007947, OMIM 154700.

Submission:

Labcorp Genetics (formerly Invitae), Labcorp
Classification: Pathogenic for Marfan syndrome; Familial thoracic aortic aneurysm and aortic dissection. Last evaluated: 2025-05-27. Review status: criteria provided, single submitter. Criteria: Invitae Variant Classification Sherloc (09022015). Collection method: clinical testing. Allele origin: germline.
Comment: This sequence change replaces cysteine, which is neutral and slightly polar, with tyrosine, which is neutral and polar, at codon 1278 of the FBN1 protein (p.Cys1278Tyr). This variant is not present in population databases (gnomAD no frequency). This missense change has been observed in individuals with clinical features of Marfan syndrome (PMID: 32431097; internal data). ClinVar contains an entry for this variant (Variation ID: 2098867). Invitae Evidence Modeling of protein sequence and biophysical properties (such as structural, functional, and spatial information, amino acid conservation, physicochemical variation, residue mobility, and thermodynamic stability) indicates that this missense variant is expected to disrupt FBN1 protein function with a positive predictive value of 95%. This variant affects a cysteine residue in the EGF-like, TGFBP or hybrid motif domains of FBN1. Cysteine residues are believed to be involved in intramolecular disulfide bridges and have been shown to be important for FBN1 protein structure (PMID: 16905551, 19349279). In addition, missense substitutions affecting cysteine residues within these domains are significantly overrepresented among patients with Marfan syndrome (PMID: 16571647, 17701892). This variant disrupts the p.Cys1278 amino acid residue in FBN1. Other variant(s) that disrupt this residue have been observed in individuals with FBN1-related conditions (PMID: 16222657, 27906200), which suggests that this may be a clinically significant amino acid residue. For these reasons, this variant has been classified as Pathogenic.

Literature cited by the submitters: PubMed 32431097; PubMed 16905551; PubMed 19349279; PubMed 16571647; PubMed 17701892; PubMed 16222657; PubMed 27906200.

NM_000138.5(FBN1):c.3833G>A (p.Cys1278Tyr)

Gene: FBN1 (fibrillin 1; minus strand). Cytogenetic location: 15q21.1.
Variant type: single nucleotide variant.
Coding change: c.3833G>A on transcript NM_000138.5 (MANE Select); coding-DNA position 3833, G replaced by A.
Protein change: p.Cys1278Tyr; replaces cysteine 1278 with tyrosine.
Molecular consequence: missense variant.
Genome position (GRCh38, 1-based): chr15:48,483,823, C>T on the plus strand (G>A on the coding strand, the complement: FBN1 is on the minus strand). VCF-style: chr15-48483823-C-T. GRCh37 (hg19) VCF-style: chr15-48776020-C-T.
Other names: c.3833G>A, p.Cys1278Tyr (NM_001406716.1); short protein forms C1278Y.
Identifiers: ClinVar variation 2098867 (VCV002098867.4), dbSNP rs2505540643, ClinGen allele CA392323557.